The following is an entry in ClinVar:

ClinVar aggregate classification (germline): Conflicting classifications of pathogenicity. Review status: criteria provided, conflicting classifications (1 of 4 stars). 9 submissions from 9 submitters: Uncertain significance (2); Likely benign (4). 3 of the submissions do not count toward it. Last evaluated 2026-03-01.

Conditions:
PKD1-related disorder. Also called: PKD1-related condition.
Polycystic kidney disease, adult type (PKD1). Also called: Polycystic Kidney Disease 1, Autosomal Dominant; Polycystic kidney disease 1; Polycystic kidney disease 1, severe; POLYCYSTIC KIDNEY DISEASE, ADULT, TYPE I; Polycystic Kidney, Autosomal Dominant; POLYCYSTIC KIDNEY DISEASE 1 WITH OR WITHOUT POLYCYSTIC LIVER DISEASE. Identifiers: MedGen C3149841, MONDO:0008263, OMIM 173900.

Allele frequency attached by ClinVar (database versions not stated): gnomAD exomes 0.00061 and 0.00093; TOPMed 0.00074; gnomAD 0.00077 and 0.00078; ESP Exome Variant Server 0.00085; ExAC 0.00087.
gnomAD v4.1: 1,453 of 1,608,780 alleles (0.09%); highest among the groups gnomAD compares: Non-Finnish European, 0.11%; 1 homozygote.

Submissions (9):

CeGaT Center for Human Genetics Tuebingen
Classification: Likely benign. Last evaluated: 2026-03-01. Review status: criteria provided, single submitter. Criteria: CeGaT Center For Human Genetics Tuebingen Variant Classification Criteria Version 2. Collection method: clinical testing. Allele origin: germline. Affected: yes. Observed: 2 variant alleles.
Comment: PKD1: BP4

Women's Health and Genetics/Laboratory Corporation of America, LabCorp
Classification: Uncertain significance. Last evaluated: 2025-06-18. Review status: criteria provided, single submitter. Criteria: LabCorp Variant Classification Summary - May 2015. Collection method: clinical testing. Allele origin: germline.
Comment: Variant summary: PKD1 c.3380C>T (p.Pro1127Leu) results in a non-conservative amino acid change in the encoded protein sequence. Algorithms developed to predict the effect of missense changes on protein structure and function are either unavailable or do not agree on the potential impact of this missense change. The variant allele was found at a frequency of 0.00061 in 240982 control chromosomes, predominantly at a frequency of 0.0012 within the Non-Finnish European subpopulation in the gnomAD database. This frequency is not significantly higher than estimated for a pathogenic variant in PKD1 causing PKD1-Biallelic Autosomal Recessive Polycystic Kidney Disease, allowing no conclusion about variant significance. To our knowledge, no occurrence of c.3380C>T in individuals affected with PKD1-Biallelic Autosomal Recessive Polycystic Kidney Disease and no experimental evidence demonstrating its impact on protein function have been reported. ClinVar contains an entry for this variant (Variation ID: 811045). Based on the evidence outlined above, the variant was classified as uncertain significance.

Blueprint Genetics
Classification: Likely benign. Last evaluated: 2024-10-08. Review status: criteria provided, single submitter. Criteria: ACMG Guidelines, 2015. Collection method: clinical testing. Allele origin: germline.

Department of Pathology and Laboratory Medicine, Sinai Health System
Classification: Likely benign for Polycystic kidney disease, adult type. Last evaluated: 2024-03-05. Review status: criteria provided, single submitter. Criteria: ACMG Guidelines, 2015. Collection method: clinical testing. Allele origin: germline. Affected: yes.

GeneDx
Classification: Likely benign. Last evaluated: 2020-11-04. Review status: criteria provided, single submitter. Criteria: GeneDx Variant Classification Process June 2021. Collection method: clinical testing. Allele origin: germline. Affected: yes.

ARUP Laboratories, Molecular Genetics and Genomics, ARUP Laboratories
Classification: Uncertain significance for Polycystic kidney disease, adult type. Last evaluated: 2019-12-03. Review status: criteria provided, single submitter. Criteria: ARUP Molecular Germline Variant Investigation Process. Collection method: clinical testing. Allele origin: germline.
Comment: The PKD1 c.3380C>T; p.Pro1127Leu variant (rs145922241), to our knowledge, is not reported in the medical literature but is listed as likely neutral in the Mayo ADPKD database (see link). This variant is found in the non-Finnish European population with an overall allele frequency of 0.12% (141/122482 alleles) in the Genome Aggregation Database. The proline at codon 1127 is moderately conserved, and computational analyses (SIFT, PolyPhen-2) predict that this variant is tolerated. However, given the lack of clinical and functional data, the significance of the p.Pro1127Leu variant is uncertain at this time. References: Mayo ADPKD database

PreventionGenetics, part of Exact Sciences
Classification: Likely benign for PKD1-related condition. Last evaluated: 2022-02-15. Review status: no assertion criteria provided. Collection method: clinical testing. Allele origin: germline. Not counted in ClinVar's aggregate classification.
Comment: This variant is classified as likely benign based on ACMG/AMP sequence variant interpretation guidelines (Richards et al. 2015 PMID: 25741868, with internal and published modifications).

Clinical Genetics DNA and cytogenetics Diagnostics Lab, Erasmus MC, Erasmus Medical Center
Classification: Likely benign. Review status: no assertion criteria provided. Collection method: clinical testing. Allele origin: germline. Affected: yes. Study: VKGL Data-share Consensus. Not counted in ClinVar's aggregate classification.

Diagnostic Laboratory, Department of Genetics, University Medical Center Groningen
Classification: Likely benign. Review status: no assertion criteria provided. Collection method: clinical testing. Allele origin: germline. Affected: yes. Study: VKGL Data-share Consensus. Not counted in ClinVar's aggregate classification.

NM_001009944.3(PKD1):c.3380C>T (p.Pro1127Leu)

Gene: PKD1 (polycystin 1, transient receptor potential channel interacting; minus strand). Cytogenetic location: 16p13.3.
Variant type: single nucleotide variant.
Coding change: c.3380C>T on transcript NM_001009944.3 (MANE Select); coding-DNA position 3380, C replaced by T.
Protein change: p.Pro1127Leu; replaces proline 1127 with leucine.
Molecular consequence: missense variant.
Genome position (GRCh38, 1-based): chr16:2,111,787, G>A on the plus strand (C>T on the coding strand, the complement: PKD1 is on the minus strand). VCF-style: chr16-2111787-G-A. GRCh37 (hg19) VCF-style: chr16-2161788-G-A.
Other names: c.3380C>T, p.Pro1127Leu (NM_000296.4); short protein forms P1127L.
Identifiers: ClinVar variation 811045 (VCV000811045.29), dbSNP rs145922241, ClinGen allele CA7832789.
Genomic context (GRCh38, chr16:2,111,787, plus strand): 5'-TAGAAGGTGACGGGCCGGCCGGCCACCAGGACGCCGTCACTCACACCCACAGCCACGGAG[G>A]GCAGGGAGGCGCGCACGCTCACAGGCACCTGCTGCGTCAGGTTCTCGAAGGCATTAGATG-3'
Protein context (NP_001009944.3, residues 1117-1137): QVPVSVRASL[Pro1127Leu]SVAVGVSDGV